The following is an entry in ClinVar:

NM_001308093.3(GATA4):c.842C>G (p.Thr281Arg)

Gene: GATA4 (GATA binding protein 4). Cytogenetic location: 8p23.1.
Variant type: single nucleotide variant.
Coding change: c.842C>G on transcript NM_001308093.3 (MANE Select); coding-DNA position 842, C replaced by G.
Protein change: p.Thr281Arg; replaces threonine 281 with arginine.
Molecular consequence: missense variant. On other transcripts: intron variant (1).
Genome position (GRCh38, 1-based): chr8:11,750,166, C>G. VCF-style: chr8-11750166-C-G. GRCh37 (hg19) VCF-style: chr8-11607675-C-G.
Other names: c.221C>G, p.Thr74Arg (NM_001308094.2, NM_001374273.1); c.839C>G, p.Thr280Arg (NM_002052.5); c.165+1081C>G (NM_001374274.1); short protein forms T280R, T281R, T74R.
Identifiers: ClinVar variation 2507225 (VCV002507225.1), dbSNP rs387906771, ClinGen allele CA370313012.

ClinVar aggregate classification (germline): Uncertain significance (1 of 4 stars; one submission).

gnomAD v4.1: 1 of 1,613,784 alleles (0.000062%); highest among the groups gnomAD compares: Non-Finnish European, 0.000085%; no homozygotes.

Submission:

GeneDx
Classification: Uncertain significance. Last evaluated: 2023-06-29. Review status: criteria provided, single submitter. Criteria: GeneDx Variant Classification Process June 2021. Collection method: clinical testing. Allele origin: germline. Affected: yes.
Comment: Not observed at significant frequency in large population cohorts (gnomAD); In silico analysis supports that this missense variant has a deleterious effect on protein structure/function; Has not been previously published as pathogenic or benign to our knowledge